The following is an entry in ClinVar:

NM_024422.6(DSC2):c.1823T>A (p.Phe608Tyr)

Gene: DSC2 (desmocollin 2; minus strand). Cytogenetic location: 18q12.1.
Variant type: single nucleotide variant.
Coding change: c.1823T>A on transcript NM_024422.6 (MANE Select); coding-DNA position 1823, T replaced by A.
Protein change: p.Phe608Tyr; replaces phenylalanine 608 with tyrosine.
Molecular consequence: missense variant.
Genome position (GRCh38, 1-based): chr18:31,074,748, A>T on the plus strand (T>A on the coding strand, the complement: DSC2 is on the minus strand). VCF-style: chr18-31074748-A-T. GRCh37 (hg19) VCF-style: chr18-28654714-A-T.
Other names: c.1394T>A, p.Phe465Tyr (NM_001406506.1, NM_001406507.1); c.1823T>A, p.Phe608Tyr (NM_004949.5); short protein forms F465Y, F608Y.
Identifiers: ClinVar variation 1780803 (VCV001780803.3), dbSNP rs1986953846, ClinGen allele CA402113936.

ClinVar aggregate classification (germline): Uncertain significance. Review status: criteria provided, multiple submitters, no conflicts (2 of 4 stars). 2 submissions from 2 submitters: Uncertain significance (2). Last evaluated 2025-12-15.

Conditions:
Arrhythmogenic right ventricular dysplasia 11. Also called: Arrhythmogenic Right Ventricular Dysplasia/Cardiomyopathy11; ARRHYTHMOGENIC RIGHT VENTRICULAR DYSPLASIA, FAMILIAL, 11; Arrhythmogenic right ventricular dysplasia 11 with mild palmoplantar keratoderma and woolly hair. Identifiers: MedGen C1864850, MONDO:0012506, OMIM 610476.
Cardiovascular phenotype. Identifiers: MedGen CN230736.

Allele frequency attached by ClinVar (database versions not stated): TOPMed below 0.00001.

Submissions (2):

Labcorp Genetics (formerly Invitae), Labcorp
Classification: Uncertain significance for Arrhythmogenic right ventricular dysplasia 11. Last evaluated: 2025-12-15. Review status: criteria provided, single submitter. Criteria: Invitae Variant Classification Sherloc (09022015). Collection method: clinical testing. Allele origin: germline.
Comment: This sequence change replaces phenylalanine, which is neutral and non-polar, with tyrosine, which is neutral and polar, at codon 608 of the DSC2 protein (p.Phe608Tyr). This variant is not present in population databases (gnomAD no frequency). This variant has not been reported in the literature in individuals affected with DSC2-related conditions. ClinVar contains an entry for this variant (Variation ID: 1780803). Invitae Evidence Modeling of protein sequence and biophysical properties (such as structural, functional, and spatial information, amino acid conservation, physicochemical variation, residue mobility, and thermodynamic stability) has been performed for this missense variant. However, the output from this modeling did not meet the statistical confidence thresholds required to predict the impact of this variant on DSC2 protein function. In summary, the available evidence is currently insufficient to determine the role of this variant in disease. Therefore, it has been classified as a Variant of Uncertain Significance.

Ambry Genetics
Classification: Uncertain significance for Cardiovascular phenotype. Last evaluated: 2021-11-05. Review status: criteria provided, single submitter. Criteria: Ambry Variant Classification Scheme 2023. Collection method: clinical testing. Allele origin: germline.
Comment: The p.F608Y variant (also known as c.1823T>A), located in coding exon 12 of the DSC2 gene, results from a T to A substitution at nucleotide position 1823. The phenylalanine at codon 608 is replaced by tyrosine, an amino acid with highly similar properties. This amino acid position is conserved. In addition, the in silico prediction for this alteration is inconclusive. Since supporting evidence is limited at this time, the clinical significance of this alteration remains unclear.